The following is an entry in ClinVar:

ClinVar aggregate classification (germline): Uncertain significance. Review status: criteria provided, multiple submitters, no conflicts (2 of 4 stars). 3 submissions from 3 submitters: Uncertain significance (3). Last evaluated 2024-09-30.

Allele frequency attached by ClinVar (database versions not stated): ExAC 0.00002.
gnomAD v4.1: 13 of 1,594,626 alleles (0.00082%); highest among the groups gnomAD compares: Admixed American, 0.0035%; no homozygotes.

Submissions (3):

Ambry Genetics
Classification: Uncertain significance. Last evaluated: 2024-09-30. Review status: criteria provided, single submitter. Criteria: Ambry Variant Classification Scheme 2023. Collection method: clinical testing. Allele origin: germline.

Labcorp Genetics (formerly Invitae), Labcorp
Classification: Uncertain significance. Last evaluated: 2024-07-24. Review status: criteria provided, single submitter. Criteria: Invitae Variant Classification Sherloc (09022015). Collection method: clinical testing. Allele origin: germline.
Comment: This sequence change replaces arginine, which is basic and polar, with glutamine, which is neutral and polar, at codon 1387 of the RIMS1 protein (p.Arg1387Gln). The frequency data for this variant in the population databases is considered unreliable, as metrics indicate poor data quality at this position in the gnomAD database. This variant has not been reported in the literature in individuals affected with RIMS1-related conditions. ClinVar contains an entry for this variant (Variation ID: 1477725). An algorithm developed to predict the effect of missense changes on protein structure and function (PolyPhen-2) suggests that this variant is likely to be disruptive. In summary, the available evidence is currently insufficient to determine the role of this variant in disease. Therefore, it has been classified as a Variant of Uncertain Significance.

Blueprint Genetics
Classification: Uncertain significance. Last evaluated: 2023-04-18. Review status: criteria provided, single submitter. Criteria: ACMG Guidelines, 2015. Collection method: clinical testing. Allele origin: germline.

NM_014989.7(RIMS1):c.4160G>A (p.Arg1387Gln)

Gene: RIMS1 (regulating synaptic membrane exocytosis 1; plus strand). Cytogenetic location: 6q13.
Variant type: single nucleotide variant.
Coding change: c.4160G>A on transcript NM_014989.7 (MANE Select); coding-DNA position 4160, G replaced by A.
Protein change: p.Arg1387Gln; replaces arginine 1387 with glutamine.
Molecular consequence: missense variant. On other transcripts: intron variant (24).
Genome position (GRCh38, 1-based): chr6:72,333,629, G>A. VCF-style: chr6-72333629-G-A. GRCh37 (hg19) VCF-style: chr6-73043332-G-A.
Other names: c.2120G>A, p.Arg707Gln (NM_001168407.2); c.2081G>A, p.Arg694Gln (NM_001350414.2); c.2177G>A, p.Arg726Gln (NM_001350415.2); c.2126G>A, p.Arg709Gln (NM_001350416.2); c.2099G>A, p.Arg700Gln (NM_001350418.2); c.2234G>A, p.Arg745Gln (NM_001350420.2); c.1979G>A, p.Arg660Gln (NM_001350421.2); c.1868G>A, p.Arg623Gln (NM_001350423.2); and 54 more; short protein forms R551Q, R602Q, R617Q, R627Q, R632Q, R654Q, R667Q, R677Q.
Identifiers: ClinVar variation 1477725 (VCV001477725.8), dbSNP rs752455133, ClinGen allele CA3886458.